The following is an entry in ClinVar:

NM_000231.3(SGCG):c.44T>C (p.Ile15Thr)

Gene: SGCG (sarcoglycan gamma; plus strand). Cytogenetic location: 13q12.12.
Variant type: single nucleotide variant.
Coding change: c.44T>C on transcript NM_000231.3 (MANE Select); coding-DNA position 44, T replaced by C.
Protein change: p.Ile15Thr; replaces isoleucine 15 with threonine.
Molecular consequence: missense variant.
Genome position (GRCh38, 1-based): chr13:23,203,738, T>C. VCF-style: chr13-23203738-T-C. GRCh37 (hg19) VCF-style: chr13-23777877-T-C.
Other names: c.98T>C, p.Ile33Thr (NM_001378244.1); c.44T>C, p.Ile15Thr (NM_001378245.1, NM_001378246.1); short protein forms I33T, I15T.
Identifiers: ClinVar variation 1505018 (VCV001505018.8), dbSNP rs1877863268, ClinGen allele CA387502354.

ClinVar aggregate classification (germline): Uncertain significance (1 of 4 stars; one submission).

Conditions:
Autosomal recessive limb-girdle muscular dystrophy type 2C (LGMDR5). Also called: MUSCULAR DYSTROPHY, LIMB-GIRDLE, AUTOSOMAL RECESSIVE 5; MUSCULAR DYSTROPHY, DUCHENNE-LIKE. Identifiers: Orphanet 353, MedGen C0410173, MONDO:0009677, OMIM 253700. Disease mechanism: Affects gamma-sarcoglycan and also disrupts the integrity of the entire sarcoglycan complex..

Allele frequency attached by ClinVar (database versions not stated): TOPMed 0.00001.

Submission:

Labcorp Genetics (formerly Invitae), Labcorp
Classification: Uncertain significance for Autosomal recessive limb-girdle muscular dystrophy type 2C. Last evaluated: 2021-06-02. Review status: criteria provided, single submitter. Criteria: Invitae Variant Classification Sherloc (09022015). Collection method: clinical testing. Allele origin: germline.
Comment: This sequence change replaces isoleucine with threonine at codon 15 of the SGCG protein (p.Ile15Thr). The isoleucine residue is weakly conserved and there is a moderate physicochemical difference between isoleucine and threonine. This variant is not present in population databases (ExAC no frequency). This variant has not been reported in the literature in individuals with SGCG-related conditions. Algorithms developed to predict the effect of missense changes on protein structure and function (SIFT, PolyPhen-2, Align-GVGD) all suggest that this variant is likely to be tolerated, but these predictions have not been confirmed by published functional studies and their clinical significance is uncertain. In summary, the available evidence is currently insufficient to determine the role of this variant in disease. Therefore, it has been classified as a Variant of Uncertain Significance.